The following is an entry in ClinVar:

ClinVar aggregate classification (germline): Likely benign (1 of 4 stars; one submission).

Conditions:
TNC-related disorder. Also called: TNC-related condition.

gnomAD v4.1: 74 of 1,614,102 alleles (0.0046%); highest among the groups gnomAD compares: East Asian, 0.16%; 1 homozygote.

Submission:

PreventionGenetics, part of Exact Sciences
Classification: Likely benign for TNC-related condition. Last evaluated: 2025-09-22. Review status: criteria provided, single submitter. Criteria: ACMG Guidelines, 2015. Collection method: clinical testing. Allele origin: germline.
Comment: This variant is classified as likely benign based on ACMG/AMP sequence variant interpretation guidelines (Richards et al. 2015 PMID: 25741868, with internal and published modifications).

NM_002160.4(TNC):c.2551C>G (p.Leu851Val)

Gene: TNC (tenascin C; minus strand). Cytogenetic location: 9q33.1.
Variant type: single nucleotide variant.
Coding change: c.2551C>G on transcript NM_002160.4 (MANE Select); coding-DNA position 2551, C replaced by G.
Protein change: p.Leu851Val; replaces leucine 851 with valine.
Molecular consequence: missense variant.
Genome position (GRCh38, 1-based): chr9:115,078,066, G>C on the plus strand (C>G on the coding strand, the complement: TNC is on the minus strand). VCF-style: chr9-115078066-G-C. GRCh37 (hg19) VCF-style: chr9-117840345-G-C.
Other names: c.2551C>G, p.Leu851Val (NM_001410991.1, NM_001439065.1, NM_001439066.1 and 35 more transcripts); short protein forms L851V.
Identifiers: ClinVar variation 4981238 (VCV004981238.1).